The following is an entry in ClinVar:

NM_000052.7(ATP7A):c.238C>T (p.Pro80Ser)

Gene: ATP7A (ATPase copper transporting alpha; plus strand). Cytogenetic location: Xq21.1.
Variant type: single nucleotide variant.
Coding change: c.238C>T on transcript NM_000052.7 (MANE Select); coding-DNA position 238, C replaced by T.
Protein change: p.Pro80Ser; replaces proline 80 with serine.
Molecular consequence: missense variant.
Genome position (GRCh38, 1-based): chrX:77,988,359, C>T. VCF-style: chrX-77988359-C-T. GRCh37 (hg19) VCF-style: chrX-77243855-C-T.
Other names: c.238C>T, p.Pro80Ser (NM_001282224.2); short protein forms P80S.
Identifiers: ClinVar variation 1029450 (VCV001029450.1), dbSNP rs781951786, ClinGen allele CA10458900.

ClinVar aggregate classification (germline): Uncertain significance (1 of 4 stars; one submission).

Conditions:
Menkes kinky-hair syndrome (MNK). Also called: Classic Menkes Disease; Menkes Disease; Copper transport disease. Identifiers: Orphanet 565, MedGen C0022716, MONDO:0010651, OMIM 309400.

Allele frequency attached by ClinVar (database versions not stated): ExAC 0.00001; gnomAD exomes 0.00001.
gnomAD v4.1: 3 of 1,210,459 alleles (0.00025%); highest among the groups gnomAD compares: South Asian, 0.0035%; no homozygotes.

Submission:

Baylor Genetics
Classification: Uncertain significance for Menkes kinky-hair syndrome. Last evaluated: 2019-09-12. Review status: criteria provided, single submitter. Criteria: ACMG Guidelines, 2015. Collection method: clinical testing. Allele origin: unknown. Affected: yes.
Comment: This variant was determined to be of uncertain significance according to ACMG Guidelines, 2015 [PMID:25741868].